The following is an entry in ClinVar:

ClinVar aggregate classification (germline): Uncertain significance (1 of 4 stars; one submission).

Submission:

GeneDx
Classification: Uncertain significance. Last evaluated: 2024-03-21. Review status: criteria provided, single submitter. Criteria: GeneDx Variant Classification Process June 2021. Collection method: clinical testing. Allele origin: germline. Affected: yes.
Comment: Not observed at significant frequency in large population cohorts (gnomAD); In silico analysis supports that this missense variant has a deleterious effect on protein structure/function; Has not been previously published as pathogenic or benign to our knowledge

NM_004380.3(CREBBP):c.3966C>G (p.Asn1322Lys)

Gene: CREBBP (CREB binding protein; minus strand). Cytogenetic location: 16p13.3.
Variant type: single nucleotide variant.
Coding change: c.3966C>G on transcript NM_004380.3 (MANE Select); coding-DNA position 3966, C replaced by G.
Protein change: p.Asn1322Lys; replaces asparagine 1322 with lysine.
Molecular consequence: missense variant.
Genome position (GRCh38, 1-based): chr16:3,744,910, G>C on the plus strand (C>G on the coding strand, the complement: CREBBP is on the minus strand). VCF-style: chr16-3744910-G-C. GRCh37 (hg19) VCF-style: chr16-3794911-G-C.
Other names: c.3852C>G, p.Asn1284Lys (NM_001079846.1); short protein forms N1284K, N1322K.
Identifiers: ClinVar variation 3371371 (VCV003371371.1).
Genomic context (GRCh38, chr16:3,744,910, plus strand): 5'-CTAAAATGTGCAGTCCAGGAAACAGAAAGCTTCCCGAAACTTACTCTTAGCACTGAATTT[G>C]TTTTCTTTTCGAGGTCTGCCAGTTTTCTTCAAGCAGTTGTCGCACACAAAACTGCAAAAT-3'
Protein context (NP_004371.2, residues 1312-1332): LKKTGRPRKE[Asn1322Lys]KFSAKRLQTT